The following is an entry in ClinVar:

NM_020297.4(ABCC9):c.3961T>C (p.Tyr1321His)

Genes: ABCC9 (ATP binding cassette subfamily C member 9; minus strand), KCNJ8-AS1 (KCNJ8 antisense RNA 1; plus strand). Cytogenetic location: 12p12.1.
Variant type: single nucleotide variant.
Coding change: c.3961T>C on transcript NM_020297.4 (MANE Select); coding-DNA position 3961, T replaced by C.
Protein change: p.Tyr1321His; replaces tyrosine 1321 with histidine.
Molecular consequence: missense variant.
Genome position (GRCh38, 1-based): chr12:21,815,825, A>G on the plus strand (T>C on the coding strand, the complement: ABCC9 is on the minus strand). VCF-style: chr12-21815825-A-G. GRCh37 (hg19) VCF-style: chr12-21968759-A-G.
Other names: c.3961T>C, p.Tyr1321His (NM_001377273.1, NM_005691.4); c.3094T>C, p.Tyr1032His (NM_001377274.1); short protein forms Y1032H, Y1321H.
Identifiers: ClinVar variation 4770570 (VCV004770570.1).
Genomic context (GRCh38, chr12:21,815,825, plus strand): 5'-TTTGTCCAGGTTTGATGTAAGCCTTGACGTGCTTAAGAACAGGTTTCAGATTATTTTCAT[A>G]TCTGACACACAGATCATGTATCTTGATCTCCCCTTCTTGTGGCCAATGTTCTGGAACTTG-3'
Protein context (NP_064693.2, residues 1311-1331): EIKIHDLCVR[Tyr1321His]ENNLKPVLKH

ClinVar aggregate classification (germline): Uncertain significance (1 of 4 stars; one submission).

Conditions:
Dilated cardiomyopathy 1O (CMD1O). Also called: CARDIOMYOPATHY, DILATED, WITH VENTRICULAR TACHYCARDIA. Identifiers: Orphanet 154, MedGen C1837839, MONDO:0012062, OMIM 608569.

gnomAD v4.1: 1 of 1,613,496 alleles (0.000062%); highest among the groups gnomAD compares: Non-Finnish European, 0.000085%; no homozygotes.

Submission:

Labcorp Genetics (formerly Invitae), Labcorp
Classification: Uncertain significance for Dilated cardiomyopathy 1O. Last evaluated: 2025-11-03. Review status: criteria provided, single submitter. Criteria: Invitae Variant Classification Sherloc (09022015). Collection method: clinical testing. Allele origin: germline.
Comment: This sequence change replaces tyrosine, which is neutral and polar, with histidine, which is basic and polar, at codon 1321 of the ABCC9 protein (p.Tyr1321His). This variant is present in population databases (rs768500484, gnomAD 0.0009%). This variant has not been reported in the literature in individuals affected with ABCC9-related conditions. Invitae Evidence Modeling of protein sequence and biophysical properties (such as structural, functional, and spatial information, amino acid conservation, physicochemical variation, residue mobility, and thermodynamic stability) indicates that this missense variant is expected to disrupt ABCC9 protein function with a positive predictive value of 95%. In summary, the available evidence is currently insufficient to determine the role of this variant in disease. Therefore, it has been classified as a Variant of Uncertain Significance.